The following is an entry in ClinVar:

ClinVar aggregate classification (germline): Conflicting classifications of pathogenicity. Review status: criteria provided, conflicting classifications (1 of 4 stars). 7 submissions from 7 submitters: Uncertain significance (3); Likely benign (3). 1 of the submissions does not count toward it. Last evaluated 2026-01-16.

Conditions:
DNAH5-related disorder. Also called: DNAH5-related condition.
Primary ciliary dyskinesia. Also called: Ciliary dyskinesia. Identifiers: Orphanet 244, MedGen C0008780, MONDO:0016575, HP:0012265.
Primary ciliary dyskinesia 3. Identifiers: Orphanet 244, MedGen C1837618, MONDO:0012085, OMIM 608644.

Allele frequency attached by ClinVar (database versions not stated): gnomAD below 0.00001 and 0.00003; TOPMed 0.00001; gnomAD exomes 0.00006 and 0.00017; ExAC 0.00025; 1000 Genomes Project 0.00060; 1000 Genomes Project 30x 0.00062.

Submissions (7):

Labcorp Genetics (formerly Invitae), Labcorp
Classification: Likely benign for Primary ciliary dyskinesia. Last evaluated: 2026-01-16. Review status: criteria provided, single submitter. Criteria: Invitae Variant Classification Sherloc (09022015). Collection method: clinical testing. Allele origin: germline.

PreventionGenetics, part of Exact Sciences
Classification: Likely benign for DNAH5-related condition. Last evaluated: 2025-07-25. Review status: criteria provided, single submitter. Criteria: ACMG Guidelines, 2015. Collection method: clinical testing. Allele origin: germline.
Comment: This variant is classified as likely benign based on ACMG/AMP sequence variant interpretation guidelines (Richards et al. 2015 PMID: 25741868, with internal and published modifications).

Ambry Genetics
Classification: Likely benign for Primary ciliary dyskinesia. Last evaluated: 2024-08-23. Review status: criteria provided, single submitter. Criteria: Ambry Variant Classification Scheme 2023. Collection method: clinical testing. Allele origin: germline.

Blueprint Genetics
Classification: Uncertain significance. Last evaluated: 2024-07-11. Review status: criteria provided, single submitter. Criteria: ACMG Guidelines, 2015. Collection method: clinical testing. Allele origin: germline.

CeGaT Center for Human Genetics Tuebingen
Classification: Uncertain significance. Last evaluated: 2023-07-01. Review status: criteria provided, single submitter. Criteria: CeGaT Center For Human Genetics Tuebingen Variant Classification Criteria Version 2. Collection method: clinical testing. Allele origin: germline. Affected: yes. Observed: 1 variant allele.

Neuberg Centre For Genomic Medicine, NCGM
Classification: Uncertain significance for Primary ciliary dyskinesia 3. Review status: criteria provided, single submitter. Criteria: ACMG Guidelines, 2015. Collection method: clinical testing. Allele origin: germline. Inheritance: Autosomal recessive inheritance. Affected: yes.
Comment: The missense variant c.4972A>G in DNAH5 has been submitted to ClinVar as a Variant of Uncertain Significance, but no details are available for independent assessment. This variant has allele frequency of 0.02% in gnomAD database. The amino acid Ile at position 1658 is changed to a Val changing protein sequence and it might alter its composition and physico-chemical properties. The variant is predicted to be damaging by PolyPhen2 and the residue is conserved across species. The amino acid change p.Ile1658Val in DNAH5 is predicted as conserved by GERP++ and PhyloP across 100 vertebrates. For these reasons, this variant has been classified as Variant of Uncertain Significance (VUS).

Natera, Inc.
Classification: Uncertain significance for Primary ciliary dyskinesia. Last evaluated: 2019-10-28. Review status: no assertion criteria provided. Collection method: clinical testing. Allele origin: germline. Not counted in ClinVar's aggregate classification.

NM_001369.3(DNAH5):c.4972A>G (p.Ile1658Val)

Gene: DNAH5 (dynein axonemal heavy chain 5; minus strand). Cytogenetic location: 5p15.2.
Variant type: single nucleotide variant.
Coding change: c.4972A>G on transcript NM_001369.3 (MANE Select); coding-DNA position 4972, A replaced by G.
Protein change: p.Ile1658Val; replaces isoleucine 1658 with valine.
Molecular consequence: missense variant.
Genome position (GRCh38, 1-based): chr5:13,850,794, T>C on the plus strand (A>G on the coding strand, the complement: DNAH5 is on the minus strand). VCF-style: chr5-13850794-T-C. GRCh37 (hg19) VCF-style: chr5-13850903-T-C.
Other names: short protein forms I1658V.
Identifiers: ClinVar variation 454778 (VCV000454778.42), dbSNP rs535557021, ClinGen allele CA3203821.
Genomic context (GRCh38, chr5:13,850,794, plus strand): 5'-ACTGGACTACACTGGGCACTTCATGTGCCCGAGTCATGATCTTCACCCAAGATTTATCTA[T>C]GTTAGAAAACCGCTTGGCTTCCTATGAGAACAAGGTAACAAAGCACACTTAGATTTGGAC-3'
Protein context (NP_001360.1, residues 1648-1668): LPKEAKRFSN[Ile1658Val]DKSWVKIMTR